The following is an entry in ClinVar:

ClinVar aggregate classification (germline): Uncertain significance (1 of 4 stars; one submission).

Conditions:
Metachromatic leukodystrophy (MLD). Also called: ARSA DEFICIENCY; CEREBROSIDE SULFATASE DEFICIENCY; Cerebral sclerosis diffuse metachromatic form; Arylsulfatase A Deficiency; METACHROMATIC LEUKOENCEPHALOPATHY; SULFATIDE LIPIDOSIS. Identifiers: Orphanet 512, MedGen C0023522, MONDO:0018868, OMIM 250100.

Allele frequency attached by ClinVar (database versions not stated): gnomAD 0.00001.

Submission:

Labcorp Genetics (formerly Invitae), Labcorp
Classification: Uncertain significance for Metachromatic leukodystrophy. Last evaluated: 2022-06-18. Review status: criteria provided, single submitter. Criteria: Invitae Variant Classification Sherloc (09022015). Collection method: clinical testing. Allele origin: germline.
Comment: This sequence change replaces leucine, which is neutral and non-polar, with methionine, which is neutral and non-polar, at codon 455 of the ARSA protein (p.Leu455Met). This variant is present in population databases (no rsID available, gnomAD 0.01%). This variant has not been reported in the literature in individuals affected with ARSA-related conditions. Algorithms developed to predict the effect of missense changes on protein structure and function output the following: SIFT: "Tolerated"; PolyPhen-2: "Benign"; Align-GVGD: "Class C0". The methionine amino acid residue is found in multiple mammalian species, which suggests that this missense change does not adversely affect protein function. In summary, the available evidence is currently insufficient to determine the role of this variant in disease. Therefore, it has been classified as a Variant of Uncertain Significance.

NM_000487.6(ARSA):c.1363C>A (p.Leu455Met)

Gene: ARSA (arylsulfatase A; minus strand). Cytogenetic location: 22q13.33.
Variant type: single nucleotide variant.
Coding change: c.1363C>A on transcript NM_000487.6 (MANE Select); coding-DNA position 1363, C replaced by A.
Protein change: p.Leu455Met; replaces leucine 455 with methionine.
Molecular consequence: missense variant.
Genome position (GRCh38, 1-based): chr22:50,625,312, G>T on the plus strand (C>A on the coding strand, the complement: ARSA is on the minus strand). VCF-style: chr22-50625312-G-T. GRCh37 (hg19) VCF-style: chr22-51063740-G-T.
Other names: c.1363C>A, p.Leu455Met (NM_001085425.3, NM_001085426.3, NM_001085427.3); c.1105C>A, p.Leu369Met (NM_001085428.3, NM_001362782.2); short protein forms L369M, L455M.
Identifiers: ClinVar variation 1924463 (VCV001924463.2), dbSNP rs1276493346, ClinGen allele CA412168209.